The following is an entry in ClinVar:

ClinVar aggregate classification (germline): Uncertain significance (1 of 4 stars; one submission).

gnomAD v4.1: 1 of 1,614,108 alleles (0.000062%); highest among the groups gnomAD compares: Admixed American, 0.0017%; no homozygotes.

Submission:

Ambry Genetics
Classification: Uncertain significance. Last evaluated: 2025-11-30. Review status: criteria provided, single submitter. Criteria: Ambry Variant Classification Scheme 2023. Collection method: clinical testing. Allele origin: germline.
Comment: The p.G350V variant (also known as c.1049G>T), located in coding exon 6 of the GALNT12 gene, results from a G to T substitution at nucleotide position 1049. The glycine at codon 350 is replaced by valine, an amino acid with dissimilar properties. This amino acid position is conserved. In addition, this alteration is predicted to be deleterious by in silico analysis. Based on the available evidence, the clinical significance of this variant remains unclear.

NM_024642.5(GALNT12):c.1049G>T (p.Gly350Val)

Gene: GALNT12 (polypeptide N-acetylgalactosaminyltransferase 12; plus strand). Cytogenetic location: 9q22.33.
Variant type: single nucleotide variant.
Coding change: c.1049G>T on transcript NM_024642.5 (MANE Select); coding-DNA position 1049, G replaced by T.
Protein change: p.Gly350Val; replaces glycine 350 with valine.
Molecular consequence: missense variant.
Genome position (GRCh38, 1-based): chr9:98,836,985, G>T. VCF-style: chr9-98836985-G-T. GRCh37 (hg19) VCF-style: chr9-101599267-G-T.
Other names: short protein forms G350V.
Identifiers: ClinVar variation 4670635 (VCV004670635.1).